The following is an entry in ClinVar:

NM_017780.4(CHD7):c.1745A>C (p.Lys582Thr)

Genes: CHD7 (chromodomain helicase DNA binding protein 7; plus strand), LOC126860403 (CDK7 strongly-dependent group 2 enhancer GRCh37_chr8:61693034-61694233; plus strand). Cytogenetic location: 8q12.2.
Variant type: single nucleotide variant.
Coding change: c.1745A>C on transcript NM_017780.4 (MANE Select); coding-DNA position 1745, A replaced by C.
Protein change: p.Lys582Thr; replaces lysine 582 with threonine.
Molecular consequence: missense variant. On other transcripts: intron variant (1).
Genome position (GRCh38, 1-based): chr8:60,781,079, A>C. VCF-style: chr8-60781079-A-C. GRCh37 (hg19) VCF-style: chr8-61693638-A-C.
Other names: c.1716+29A>C (NM_001316690.1); short protein forms K582T.
Identifiers: ClinVar variation 4743375 (VCV004743375.1).

ClinVar aggregate classification (germline): Uncertain significance (1 of 4 stars; one submission).

Conditions:
CHARGE syndrome (CHARGE). Also called: Hittner Hirsch Kreh syndrome; CHARGE ASSOCIATION--COLOBOMA, HEART ANOMALY, CHOANAL ATRESIA, RETARDATION, GENITAL AND EAR ANOMALIES; Coloboma, heart anomaly, choanal atresia, retardation, genital and ear anomalies; CHARGE association; Hall-Hittner syndrome. Identifiers: Orphanet 138, MedGen C0265354, MONDO:0008965.

Submission:

Labcorp Genetics (formerly Invitae), Labcorp
Classification: Uncertain significance for CHARGE syndrome. Last evaluated: 2025-07-08. Review status: criteria provided, single submitter. Criteria: Invitae Variant Classification Sherloc (09022015). Collection method: clinical testing. Allele origin: germline.
Comment: This sequence change replaces lysine, which is basic and polar, with threonine, which is neutral and polar, at codon 582 of the CHD7 protein (p.Lys582Thr). This variant is not present in population databases (gnomAD no frequency). This variant has not been reported in the literature in individuals affected with CHD7-related conditions. Invitae Evidence Modeling of protein sequence and biophysical properties (such as structural, functional, and spatial information, amino acid conservation, physicochemical variation, residue mobility, and thermodynamic stability) indicates that this missense variant is not expected to disrupt CHD7 protein function with a negative predictive value of 95%. In summary, the available evidence is currently insufficient to determine the role of this variant in disease. Therefore, it has been classified as a Variant of Uncertain Significance.